The following is an entry in ClinVar:

ClinVar aggregate classification (germline): Uncertain significance (1 of 4 stars; one submission).

gnomAD v4.1: 4 of 1,614,006 alleles (0.00025%); highest among the groups gnomAD compares: Non-Finnish European, 0.00034%; no homozygotes.

Submission:

Labcorp Genetics (formerly Invitae), Labcorp
Classification: Uncertain significance. Last evaluated: 2024-11-26. Review status: criteria provided, single submitter. Criteria: Invitae Variant Classification Sherloc (09022015). Collection method: clinical testing. Allele origin: germline.
Comment: This sequence change creates a premature translational stop signal (p.Tyr59*) in the SPP2 gene. It is expected to result in an absent or disrupted protein product. However, the current clinical and genetic evidence is not sufficient to establish whether loss-of-function variants in SPP2 cause disease. This variant is not present in population databases (gnomAD no frequency). This variant has not been reported in the literature in individuals affected with SPP2-related conditions. In summary, the available evidence is currently insufficient to determine the role of this variant in disease. Therefore, it has been classified as a Variant of Uncertain Significance.

NM_006944.3(SPP2):c.177T>A (p.Tyr59Ter)

Gene: SPP2 (secreted phosphoprotein 2; plus strand). Cytogenetic location: 2q37.1.
Variant type: single nucleotide variant.
Coding change: c.177T>A on transcript NM_006944.3 (MANE Select); coding-DNA position 177, T replaced by A.
Protein change: p.Tyr59Ter; replaces tyrosine 59 with a stop codon.
Molecular consequence: nonsense.
Genome position (GRCh38, 1-based): chr2:234,051,062, T>A. VCF-style: chr2-234051062-T-A. GRCh37 (hg19) VCF-style: chr2-234959706-T-A.
Other names: short protein forms Y59*.
Identifiers: ClinVar variation 3618843 (VCV003618843.2).